The following is an entry in ClinVar:

NM_004385.5(VCAN):c.9291G>A (p.Pro3097=)

Genes: VCAN (versican; plus strand), VCAN-AS1 (VCAN antisense RNA 1; minus strand). Cytogenetic location: 5q14.3.
Variant type: single nucleotide variant.
Coding change: c.9291G>A on transcript NM_004385.5 (MANE Select); coding-DNA position 9291, G replaced by A.
Protein change: p.Pro3097=; no amino-acid change (proline 3097 retained).
Molecular consequence: synonymous variant.
Genome position (GRCh38, 1-based): chr5:83,545,562, G>A. VCF-style: chr5-83545562-G-A. GRCh37 (hg19) VCF-style: chr5-82841381-G-A.
Other names: c.1068G>A, p.Pro356= (NM_001126336.3); c.6330G>A, p.Pro2110= (NM_001164097.2); c.4029G>A, p.Pro1343= (NM_001164098.2).
Identifiers: ClinVar variation 354464 (VCV000354464.17), dbSNP rs375652154, ClinGen allele CA3333964.
Genomic context (GRCh38, chr5:83,545,562, plus strand): 5'-CCTAACTGCTTTTCTTACTTTCCTGAATATGGTAGGACCTGATCGCTGCAAAATGAACCC[G>A]TGCCTTAACGGAGGCACCTGTTATCCTACTGAAACTTCCTACGTATGCACCTGTGTGCCA-3'
Protein context (NP_004376.2, residues 3087-3107): LPGPDRCKMN[Pro3097=]CLNGGTCYPT

ClinVar aggregate classification (germline): Benign/Likely benign. Review status: criteria provided, multiple submitters, no conflicts (2 of 4 stars). 3 submissions from 3 submitters: Benign (1); Likely benign (2). Last evaluated 2025-09-23.

Conditions:
Vitreoretinopathy. Also called: Vitreoretinal degeneration. Identifiers: MedGen C0344290, MONDO:0020248, HP:0007773.

Allele frequency attached by ClinVar (database versions not stated): gnomAD exomes 0.00003 and 0.00009; ExAC 0.00008; TOPMed 0.00013; gnomAD 0.00015; 1000 Genomes Project 30x 0.00016; 1000 Genomes Project 0.00020; ESP Exome Variant Server 0.00031.
gnomAD v4.1: 74 of 1,614,040 alleles (0.0046%); highest among the groups gnomAD compares: Middle Eastern, 0.099%; no homozygotes.

Submissions (3):

Labcorp Genetics (formerly Invitae), Labcorp
Classification: Likely benign. Last evaluated: 2025-09-23. Review status: criteria provided, single submitter. Criteria: Invitae Variant Classification Sherloc (09022015). Collection method: clinical testing. Allele origin: germline.

Blueprint Genetics
Classification: Likely benign. Last evaluated: 2023-12-29. Review status: criteria provided, single submitter. Criteria: ACMG Guidelines, 2015. Collection method: clinical testing. Allele origin: germline.

Illumina Laboratory Services, Illumina
Classification: Benign for Vitreoretinopathy. Last evaluated: 2018-01-13. Review status: criteria provided, single submitter. Criteria: ICSL Variant Classification Criteria 13 December 2019. Collection method: clinical testing. Allele origin: germline.
Comment: This variant was observed in the ICSL laboratory as part of a predisposition screen in an ostensibly healthy population. It had not been previously curated by ICSL or reported in the Human Gene Mutation Database (HGMD: prior to June 1st, 2018), and was therefore a candidate for classification through an automated scoring system. Utilizing variant allele frequency, disease prevalence and penetrance estimates, and inheritance mode, an automated score was calculated to assess if this variant is too frequent to cause the disease. Based on the score and internal cut-off values, a variant classified as benign is not then subjected to further curation. The score for this variant resulted in a classification of benign for this disease.